The following is an entry in ClinVar:

NM_001374736.1(DST):c.22476+1G>A

Gene: DST (dystonin; minus strand). Cytogenetic location: 6p12.1.
Variant type: single nucleotide variant.
Coding change: c.22476+1G>A on transcript NM_001374736.1 (MANE Select); the canonical splice donor site of the intron after coding-DNA position 22476, G replaced by A.
Molecular consequence: splice donor variant.
Genome position (GRCh38, 1-based): chr6:56,470,127, C>T on the plus strand (G>A on the coding strand, the complement: DST is on the minus strand). VCF-style: chr6-56470127-C-T. GRCh37 (hg19) VCF-style: chr6-56334925-C-T.
Other names: c.16119+1G>A (NM_001144769.5); c.22476+1G>A (NM_001374722.1); c.22503+1G>A (NM_001374734.1); c.15705+1G>A (NM_001144770.2); c.15258+1G>A (NM_001374730.1); c.15585+1G>A (NM_001386100.1, NM_183380.4); c.21516+1G>A (NM_001374729.1); c.14607+1G>A (NM_015548.5).
Identifiers: ClinVar variation 1518433 (VCV001518433.6), dbSNP rs2152394710, ClinGen allele CA364506810.

ClinVar aggregate classification (germline): Likely pathogenic (1 of 4 stars; one submission).

Conditions:
Hereditary sensory and autonomic neuropathy type 6. Also called: HSAN VI; Neuropathy, hereditary sensory and autonomic, type VI. Identifiers: Orphanet 314381, MedGen C3539003, MONDO:0013839, OMIM 614653.
Epidermolysis bullosa simplex 3, localized or generalized intermediate, with BP230 deficiency (EBS3). Also called: Epidermolysis bullosa simplex due to BP230 deficiency; Epidermolysis bullosa simplex, autosomal recessive 2. Identifiers: Orphanet 412181, MedGen C3809470, MONDO:0014180, OMIM 615425.

Submission:

Labcorp Genetics (formerly Invitae), Labcorp
Classification: Likely pathogenic for Epidermolysis bullosa simplex 3, localized or generalized intermediate, with BP230 deficiency; Hereditary sensory and autonomic neuropathy type 6. Last evaluated: 2021-06-15. Review status: criteria provided, single submitter. Criteria: Invitae Variant Classification Sherloc (09022015). Collection method: clinical testing. Allele origin: germline.
Comment: This sequence change affects donor splice site in intron 77 of the DST gene. The DST gene has multiple clinically relevant transcripts. This variant occurs in alternate transcript NM015548.4, and corresponds to NM_001723.5:c.*145390G>A in the primary transcript. It is expected to disrupt RNA splicing. Variants that disrupt the donor or acceptor splice site typically lead to a loss of protein function (PMID: 16199547), and loss-of-function variants in DST are known to be pathogenic (PMID: 22522446, 25059916, 30371979). This variant is not present in population databases (ExAC no frequency). This variant has not been reported in the literature in individuals with DST-related conditions. In summary, the currently available evidence indicates that the variant is pathogenic, but additional data are needed to prove that conclusively. Therefore, this variant has been classified as Likely Pathogenic.

Literature cited by the submitters: PubMed 16199547; PubMed 22522446; PubMed 25059916; PubMed 30371979.